The following is an entry in ClinVar:

NM_025137.4(SPG11):c.4421C>T (p.Ala1474Val)

Gene: SPG11 (SPG11 vesicle trafficking associated, spatacsin; minus strand). Cytogenetic location: 15q21.1.
Variant type: single nucleotide variant.
Coding change: c.4421C>T on transcript NM_025137.4 (MANE Select); coding-DNA position 4421, C replaced by T.
Protein change: p.Ala1474Val; replaces alanine 1474 with valine.
Molecular consequence: missense variant.
Genome position (GRCh38, 1-based): chr15:44,596,096, G>A on the plus strand (C>T on the coding strand, the complement: SPG11 is on the minus strand). VCF-style: chr15-44596096-G-A. GRCh37 (hg19) VCF-style: chr15-44888294-G-A.
Other names: c.4421C>T, p.Ala1474Val (NM_001160227.2, NM_001411132.1); short protein forms A1474V.
Identifiers: ClinVar variation 2082029 (VCV002082029.1), dbSNP rs762518463, ClinGen allele CA7534695.
Genomic context (GRCh38, chr15:44,596,096, plus strand): 5'-TTCTATTGTTCTCTGGGTACTTACTTCAGGCTTCTCATGATCCTCACCTGGAGACATGAG[G>A]CCAGAACACTGAGGATAGGGGCCTGTTGTTTCACTGCTTCAACCAGAAGCCAGTGCCAGG-3'
Protein context (NP_079413.3, residues 1464-1484): KQQAPILSVL[Ala1474Val]SCLQGASAIS

ClinVar aggregate classification (germline): Uncertain significance (1 of 4 stars; one submission).

Conditions:
Hereditary spastic paraplegia 11. Also called: Nakamura Osame syndrome; Autosomal recessive hereditary spastic paraplegia, mental impairment, and thin corpus callosum; SPASTIC PARAPLEGIA, AUTOSOMAL RECESSIVE, COMPLICATED, WITH THIN CORPUS CALLOSUM; SPASTIC PARAPLEGIA, AUTOSOMAL RECESSIVE, WITH MENTAL IMPAIRMENT AND THIN CORPUS CALLOSUM; Spastic Paraplegia 11; Spastic paraplegia, mental retardation and thin corpus callosum. Identifiers: Orphanet 2822, MedGen C1858479, MONDO:0011445, OMIM 604360.

Allele frequency attached by ClinVar (database versions not stated): gnomAD 0.00001; TOPMed 0.00001; ExAC 0.00002.
gnomAD v4.1: 16 of 1,613,322 alleles (0.00099%); highest among the groups gnomAD compares: Admixed American, 0.005%; no homozygotes.

Submission:

Labcorp Genetics (formerly Invitae), Labcorp
Classification: Uncertain significance for Hereditary spastic paraplegia 11. Last evaluated: 2022-09-07. Review status: criteria provided, single submitter. Criteria: Invitae Variant Classification Sherloc (09022015). Collection method: clinical testing. Allele origin: germline.
Comment: This sequence change replaces alanine, which is neutral and non-polar, with valine, which is neutral and non-polar, at codon 1474 of the SPG11 protein (p.Ala1474Val). This variant is present in population databases (rs762518463, gnomAD 0.01%). This variant has not been reported in the literature in individuals affected with SPG11-related conditions. Algorithms developed to predict the effect of missense changes on protein structure and function (SIFT, PolyPhen-2, Align-GVGD) all suggest that this variant is likely to be disruptive. In summary, the available evidence is currently insufficient to determine the role of this variant in disease. Therefore, it has been classified as a Variant of Uncertain Significance.